The following is an entry in ClinVar:

NM_031844.3(HNRNPU):c.878-5T>G

Gene: HNRNPU (heterogeneous nuclear ribonucleoprotein U; minus strand). Cytogenetic location: 1q44.
Variant type: single nucleotide variant.
Coding change: c.878-5T>G on transcript NM_031844.3 (MANE Select); 5 bases into the intron before coding-DNA position 878, T replaced by G.
Molecular consequence: intron variant.
Genome position (GRCh38, 1-based): chr1:244,860,479, A>C on the plus strand (T>G on the coding strand, the complement: HNRNPU is on the minus strand). VCF-style: chr1-244860479-A-C. GRCh37 (hg19) VCF-style: chr1-245023781-A-C.
Other names: c.821-5T>G (NM_004501.3).
Identifiers: ClinVar variation 1474289 (VCV001474289.8), dbSNP rs2102988100, ClinGen allele CA2573132978.
Genomic context (GRCh38, chr1:244,860,479, plus strand): 5'-AAGGGAAGAAGCACTGAGACGATCTCTTGATATTTTAAAATGTAGATCACAATTATCTGT[A>C]ATTATATCAAATACTGTGTTACTTTTGACATCCAATGTAAACATATCTGCTATGTAGACA-3'

ClinVar aggregate classification (germline): Uncertain significance (1 of 4 stars; one submission).

Conditions:
Developmental and epileptic encephalopathy, 54. Also called: Epileptic encephalopathy, early infantile, 54; HNRNPU-Related Neurodevelopmental Disorder. Identifiers: MedGen C4479319, MONDO:0033363, OMIM 617391.

Submission:

Labcorp Genetics (formerly Invitae), Labcorp
Classification: Uncertain significance for Developmental and epileptic encephalopathy, 54. Last evaluated: 2022-08-09. Review status: criteria provided, single submitter. Criteria: Invitae Variant Classification Sherloc (09022015). Collection method: clinical testing. Allele origin: germline.
Comment: This variant is not present in population databases (gnomAD no frequency). This variant has not been reported in the literature in individuals affected with HNRNPU-related conditions. This sequence change falls in intron 3 of the HNRNPU gene. It does not directly change the encoded amino acid sequence of the HNRNPU protein. Algorithms developed to predict the effect of sequence changes on RNA splicing suggest that this variant may disrupt the consensus splice site. ClinVar contains an entry for this variant (Variation ID: 1474289). In summary, the available evidence is currently insufficient to determine the role of this variant in disease. Therefore, it has been classified as a Variant of Uncertain Significance.